The following is an entry in ClinVar:

ClinVar aggregate classification (germline): Pathogenic/Likely pathogenic. Review status: criteria provided, multiple submitters, no conflicts (2 of 4 stars). 2 submissions from 2 submitters: Pathogenic (1); Likely pathogenic (1). Last evaluated 2024-05-07.

Conditions:
Hypogonadotropic hypogonadism 7 with or without anosmia (HH7). Also called: HYPOGONADOTROPIC HYPOGONADISM 7 WITHOUT ANOSMIA; GNRHR-Related GnRH Deficiency. Identifiers: Orphanet 432, MedGen C0342384, MONDO:0007794, OMIM 146110.

Allele frequency attached by ClinVar (database versions not stated): gnomAD 0.00002; TOPMed 0.00002; gnomAD exomes 0.00001; ExAC 0.00002.

Submissions (2):

Labcorp Genetics (formerly Invitae), Labcorp
Classification: Pathogenic. Last evaluated: 2024-05-07. Review status: criteria provided, single submitter. Criteria: Invitae Variant Classification Sherloc (09022015). Collection method: clinical testing. Allele origin: germline.
Comment: This sequence change replaces arginine, which is basic and polar, with tryptophan, which is neutral and slightly polar, at codon 262 of the GNRHR protein (p.Arg262Trp). This variant is present in population databases (rs753280668, gnomAD 0.01%). This missense change has been observed in individual(s) with hypogonadotropic hypogonadism (PMID: 29419413; Invitae). In at least one individual the data is consistent with being in trans (on the opposite chromosome) from a pathogenic variant. ClinVar contains an entry for this variant (Variation ID: 2151986). Advanced modeling of protein sequence and biophysical properties (such as structural, functional, and spatial information, amino acid conservation, physicochemical variation, residue mobility, and thermodynamic stability) performed at Invitae indicates that this missense variant is expected to disrupt GNRHR protein function with a positive predictive value of 80%. This variant disrupts the p.Arg262 amino acid residue in GNRHR. Other variant(s) that disrupt this residue have been determined to be pathogenic (PMID: 9371856, 9425890, 10022417, 10084584, 12574221, 16968799, 26207952). This suggests that this residue is clinically significant, and that variants that disrupt this residue are likely to be disease-causing. For these reasons, this variant has been classified as Pathogenic.

Fulgent Genetics
Classification: Likely pathogenic for Hypogonadotropic hypogonadism 7 with or without anosmia. Last evaluated: 2024-03-23. Review status: criteria provided, single submitter. Criteria: ACMG Guidelines, 2015. Collection method: clinical testing. Allele origin: germline.

Literature cited by the submitters: PubMed 29419413 (cited by Labcorp Genetics (formerly Invitae), Labcorp); PubMed 9371856 (cited by Labcorp Genetics (formerly Invitae), Labcorp); PubMed 9425890 (cited by Labcorp Genetics (formerly Invitae), Labcorp); PubMed 10022417 (cited by Labcorp Genetics (formerly Invitae), Labcorp); PubMed 10084584 (cited by Labcorp Genetics (formerly Invitae), Labcorp); PubMed 12574221 (cited by Labcorp Genetics (formerly Invitae), Labcorp); PubMed 16968799 (cited by Labcorp Genetics (formerly Invitae), Labcorp); PubMed 26207952 (cited by Labcorp Genetics (formerly Invitae), Labcorp).

NM_000406.3(GNRHR):c.784C>T (p.Arg262Trp)

Gene: GNRHR (gonadotropin releasing hormone receptor; minus strand). Cytogenetic location: 4q13.2.
Variant type: single nucleotide variant.
Coding change: c.784C>T on transcript NM_000406.3 (MANE Select); coding-DNA position 784, C replaced by T.
Protein change: p.Arg262Trp; replaces arginine 262 with tryptophan.
Molecular consequence: missense variant.
Genome position (GRCh38, 1-based): chr4:67,740,683, G>A on the plus strand (C>T on the coding strand, the complement: GNRHR is on the minus strand). VCF-style: chr4-67740683-G-A. GRCh37 (hg19) VCF-style: chr4-68606401-G-A.
Other names: c.656C>T, p.Thr219Met (NM_001012763.2); short protein forms R262W, T219M.
Identifiers: ClinVar variation 2151986 (VCV002151986.5), dbSNP rs753280668, ClinGen allele CA2938854.